The following is an entry in ClinVar:

NM_001256007.3(PNPLA8):c.748G>A (p.Asp250Asn)

Gene: PNPLA8 (patatin like domain 8, phospholipase A2; minus strand). Cytogenetic location: 7q31.1.
Variant type: single nucleotide variant.
Coding change: c.748G>A on transcript NM_001256007.3 (MANE Select); coding-DNA position 748, G replaced by A.
Protein change: p.Asp250Asn; replaces aspartic acid 250 with asparagine.
Molecular consequence: missense variant.
Genome position (GRCh38, 1-based): chr7:108,514,744, C>T on the plus strand (G>A on the coding strand, the complement: PNPLA8 is on the minus strand). VCF-style: chr7-108514744-C-T. GRCh37 (hg19) VCF-style: chr7-108155188-C-T.
Other names: c.748G>A, p.Asp250Asn (NM_001256008.3, NM_001256009.3, NM_015723.5); c.448G>A, p.Asp150Asn (NM_001256010.3, NM_001256011.3); short protein forms D250N, D150N.
Identifiers: ClinVar variation 1898175 (VCV001898175.5), dbSNP rs769273447, ClinGen allele CA4439766.

ClinVar aggregate classification (germline): Uncertain significance (1 of 4 stars; one submission).

Allele frequency attached by ClinVar (database versions not stated): gnomAD 0.00002; gnomAD exomes 0.00003; ExAC 0.00004.
gnomAD v4.1: 42 of 1,613,400 alleles (0.0026%); highest among the groups gnomAD compares: South Asian, 0.043%; no homozygotes.

Submission:

Labcorp Genetics (formerly Invitae), Labcorp
Classification: Uncertain significance. Last evaluated: 2024-01-23. Review status: criteria provided, single submitter. Criteria: Invitae Variant Classification Sherloc (09022015). Collection method: clinical testing. Allele origin: germline.
Comment: This sequence change replaces aspartic acid, which is acidic and polar, with asparagine, which is neutral and polar, at codon 250 of the PNPLA8 protein (p.Asp250Asn). This variant is present in population databases (rs769273447, gnomAD 0.03%). This variant has not been reported in the literature in individuals affected with PNPLA8-related conditions. ClinVar contains an entry for this variant (Variation ID: 1898175). An algorithm developed to predict the effect of missense changes on protein structure and function (PolyPhen-2) suggests that this variant is likely to be tolerated. In summary, the available evidence is currently insufficient to determine the role of this variant in disease. Therefore, it has been classified as a Variant of Uncertain Significance.